The following is an entry in ClinVar:

ClinVar aggregate classification (germline): Uncertain significance. Review status: criteria provided, multiple submitters, no conflicts (2 of 4 stars). 2 submissions from 2 submitters: Uncertain significance (2). Last evaluated 2025-10-21.

Conditions:
Inborn genetic diseases. Identifiers: MedGen C0950123, MeSH D030342.

Allele frequency attached by ClinVar (database versions not stated): TOPMed 0.00002; gnomAD exomes below 0.00001; gnomAD 0.00001.
gnomAD v4.1: 3 of 1,613,942 alleles (0.00019%); highest among the groups gnomAD compares: African/African-American, 0.0027%; no homozygotes.

Submissions (2):

Labcorp Genetics (formerly Invitae), Labcorp
Classification: Uncertain significance. Last evaluated: 2025-10-21. Review status: criteria provided, single submitter. Criteria: Invitae Variant Classification Sherloc (09022015). Collection method: clinical testing. Allele origin: germline.
Comment: This sequence change replaces arginine, which is basic and polar, with glycine, which is neutral and non-polar, at codon 341 of the SLC1A2 protein (p.Arg341Gly). This variant is present in population databases (no rsID available, gnomAD 0.008%). This variant has not been reported in the literature in individuals affected with SLC1A2-related conditions. ClinVar contains an entry for this variant (Variation ID: 2307741). Invitae Evidence Modeling of protein sequence and biophysical properties (such as structural, functional, and spatial information, amino acid conservation, physicochemical variation, residue mobility, and thermodynamic stability) has been performed for this missense variant. However, the output from this modeling did not meet the statistical confidence thresholds required to predict the impact of this variant on SLC1A2 protein function. In summary, the available evidence is currently insufficient to determine the role of this variant in disease. Therefore, it has been classified as a Variant of Uncertain Significance.

Ambry Genetics
Classification: Uncertain significance for Inborn genetic diseases. Last evaluated: 2022-08-17. Review status: criteria provided, single submitter. Criteria: Ambry Variant Classification Scheme 2023. Collection method: clinical testing. Allele origin: germline.

NM_004171.4(SLC1A2):c.1021A>G (p.Arg341Gly)

Gene: SLC1A2 (solute carrier family 1 member 2; minus strand). Cytogenetic location: 11p13.
Variant type: single nucleotide variant.
Coding change: c.1021A>G on transcript NM_004171.4 (MANE Select); coding-DNA position 1021, A replaced by G.
Protein change: p.Arg341Gly; replaces arginine 341 with glycine.
Molecular consequence: missense variant.
Genome position (GRCh38, 1-based): chr11:35,292,357, T>C on the plus strand (A>G on the coding strand, the complement: SLC1A2 is on the minus strand). VCF-style: chr11-35292357-T-C. GRCh37 (hg19) VCF-style: chr11-35313904-T-C.
Other names: c.994A>G, p.Arg332Gly (NM_001195728.3, NM_001252652.2); short protein forms R332G, R341G.
Identifiers: ClinVar variation 2307741 (VCV002307741.5), dbSNP rs1199963071, ClinGen allele CA380124715.
Genomic context (GRCh38, chr11:35,292,357, plus strand): 5'-TGCCCAGGGCAGTGATCCAAGCTTGGAAAATGCCAGCAAAAAAGGAGAAGGGGTTTTTCC[T>C]GGTCACTACAAAGTAAATCAAGGGGAGAAAGATGCCCCCGTGGATGATGAGGCCTATGAT-3'
Protein context (NP_004162.2, residues 331-351): FLPLIYFVVT[Arg341Gly]KNPFSFFAGI